The following is an entry in ClinVar:

ClinVar aggregate classification (germline): Uncertain significance. Review status: criteria provided, multiple submitters, no conflicts (2 of 4 stars). 2 submissions from 2 submitters: Uncertain significance (2). Last evaluated 2025-12-29.

Conditions:
Gastrointestinal stromal tumor. Also called: Gastrointestinal stromal tumor, somatic; Gastrointestinal stroma tumor. Identifiers: Orphanet 44890, MedGen C0238198, MeSH D046152, MONDO:0011719, OMIM 606764, HP:0100723.
Hereditary cancer-predisposing syndrome. Also called: Neoplastic Syndromes, Hereditary; Hereditary Cancer Syndrome; Hereditary neoplastic syndrome; Tumor predisposition. Identifiers: Orphanet 140162, MedGen C0027672, MeSH D009386, MONDO:0015356.

Allele frequency attached by ClinVar (database versions not stated): gnomAD exomes below 0.00001.
gnomAD v4.1: 2 of 1,613,644 alleles (0.00012%); highest among the groups gnomAD compares: Non-Finnish European, 0.00017%; no homozygotes.

Submissions (2):

Labcorp Genetics (formerly Invitae), Labcorp
Classification: Uncertain significance for Gastrointestinal stromal tumor. Last evaluated: 2025-12-29. Review status: criteria provided, single submitter. Criteria: Invitae Variant Classification Sherloc (09022015). Collection method: clinical testing. Allele origin: germline.
Comment: This sequence change replaces leucine, which is neutral and non-polar, with proline, which is neutral and non-polar, at codon 15 of the PDGFRA protein (p.Leu15Pro). This variant is present in population databases (no rsID available, gnomAD 0.0009%). This variant has not been reported in the literature in individuals affected with PDGFRA-related conditions. ClinVar contains an entry for this variant (Variation ID: 969566). An algorithm developed to predict the effect of missense changes on protein structure and function (PolyPhen-2) suggests that this variant is likely to be tolerated. In summary, the available evidence is currently insufficient to determine the role of this variant in disease. Therefore, it has been classified as a Variant of Uncertain Significance.

Ambry Genetics
Classification: Uncertain significance for Hereditary cancer-predisposing syndrome. Last evaluated: 2023-10-10. Review status: criteria provided, single submitter. Criteria: Ambry Variant Classification Scheme 2023. Collection method: clinical testing. Allele origin: germline.
Comment: The p.L15P variant (also known as c.44T>C), located in coding exon 1 of the PDGFRA gene, results from a T to C substitution at nucleotide position 44. The leucine at codon 15 is replaced by proline, an amino acid with similar properties. This amino acid position is conserved. In addition, the in silico prediction for this alteration is inconclusive. Since supporting evidence is limited at this time, the clinical significance of this alteration remains unclear.

NM_006206.6(PDGFRA):c.44T>C (p.Leu15Pro)

Gene: PDGFRA (platelet derived growth factor receptor alpha; plus strand). Cytogenetic location: 4q12.
Variant type: single nucleotide variant.
Coding change: c.44T>C on transcript NM_006206.6 (MANE Select); coding-DNA position 44, T replaced by C.
Protein change: p.Leu15Pro; replaces leucine 15 with proline.
Molecular consequence: missense variant.
Genome position (GRCh38, 1-based): chr4:54,258,812, T>C. VCF-style: chr4-54258812-T-C. GRCh37 (hg19) VCF-style: chr4-55124979-T-C.
Other names: c.44T>C, p.Leu15Pro (NM_001347827.2, NM_001347829.2); c.119T>C, p.Leu40Pro (NM_001347828.2); c.83T>C, p.Leu28Pro (NM_001347830.2); short protein forms L15P, L28P, L40P.
Identifiers: ClinVar variation 969566 (VCV000969566.12), dbSNP rs1286350038, ClinGen allele CA356888120.